The following is an entry in ClinVar:

ClinVar aggregate classification (germline): Uncertain significance (1 of 4 stars; one submission).

Submission:

Labcorp Genetics (formerly Invitae), Labcorp
Classification: Uncertain significance. Last evaluated: 2025-03-18. Review status: criteria provided, single submitter. Criteria: Invitae Variant Classification Sherloc (09022015). Collection method: clinical testing. Allele origin: germline.
Comment: This sequence change replaces alanine, which is neutral and non-polar, with valine, which is neutral and non-polar, at codon 5 of the PLS3 protein (p.Ala5Val). This variant is not present in population databases (gnomAD no frequency). This variant has not been reported in the literature in individuals affected with PLS3-related conditions. An algorithm developed to predict the effect of missense changes on protein structure and function (PolyPhen-2) suggests that this variant is likely to be tolerated. In summary, the available evidence is currently insufficient to determine the role of this variant in disease. Therefore, it has been classified as a Variant of Uncertain Significance.

NM_005032.7(PLS3):c.14C>T (p.Ala5Val)

Gene: PLS3 (plastin 3; plus strand). Cytogenetic location: Xq23.
Variant type: single nucleotide variant.
Coding change: c.14C>T on transcript NM_005032.7 (MANE Select); coding-DNA position 14, C replaced by T.
Protein change: p.Ala5Val; replaces alanine 5 with valine.
Molecular consequence: missense variant. On other transcripts: 5 prime UTR variant (2).
Genome position (GRCh38, 1-based): chrX:115,610,264, C>T. VCF-style: chrX-115610264-C-T. GRCh37 (hg19) VCF-style: chrX-114844576-C-T.
Other names: c.14C>T, p.Ala5Val (NM_001136025.5, NM_001172335.3, NM_001440791.1 and 1 more transcripts); c.-172C>T (NM_001282337.2); c.-504C>T (NM_001282338.2); short protein forms A5V.
Identifiers: ClinVar variation 4712571 (VCV004712571.1).
Genomic context (GRCh38, chrX:115,610,264, plus strand): 5'-AATTTTTTAAAGTCTGAAACGTTTTTGGTTTTTCTTTAGATCTTTAAATGGATGAGATGG[C>T]TACCACTCAGATTTCCAAAGATGAGCTTGATGAACTCAAAGAGGCCTTTGCAAAAGTTGG-3'
Protein context (NP_005023.2, residues 1-15): MDEM[Ala5Val]TTQISKDELD